The following is an entry in ClinVar:

ClinVar aggregate classification (germline): Uncertain significance (1 of 4 stars; one submission).

Conditions:
Hereditary cancer-predisposing syndrome. Also called: Neoplastic Syndromes, Hereditary; Tumor predisposition; Hereditary Cancer Syndrome; Hereditary neoplastic syndrome. Identifiers: Orphanet 140162, MedGen C0027672, MeSH D009386, MONDO:0015356.

Submission:

Ambry Genetics
Classification: Uncertain significance for Hereditary cancer-predisposing syndrome. Last evaluated: 2023-04-03. Review status: criteria provided, single submitter. Criteria: Ambry Variant Classification Scheme 2023. Collection method: clinical testing. Allele origin: germline.
Comment: The p.P350R variant (also known as c.1049C>G), located in coding exon 9 of the CHEK2 gene, results from a C to G substitution at nucleotide position 1049. The proline at codon 350 is replaced by arginine, an amino acid with dissimilar properties. This amino acid position is highly conserved in available vertebrate species. In addition, this alteration is predicted to be deleterious by in silico analysis. Since supporting evidence is limited at this time, the clinical significance of this alteration remains unclear.

NM_007194.4(CHEK2):c.1049C>G (p.Pro350Arg)

Gene: CHEK2 (checkpoint kinase 2; minus strand). Cytogenetic location: 22q12.1.
Variant type: single nucleotide variant.
Coding change: c.1049C>G on transcript NM_007194.4 (MANE Select); coding-DNA position 1049, C replaced by G.
Protein change: p.Pro350Arg; replaces proline 350 with arginine.
Molecular consequence: missense variant. On other transcripts: intron variant (3).
Genome position (GRCh38, 1-based): chr22:28,696,947, G>C on the plus strand (C>G on the coding strand, the complement: CHEK2 is on the minus strand). VCF-style: chr22-28696947-G-C. GRCh37 (hg19) VCF-style: chr22-29092935-G-C.
Other names: c.1178C>G, p.Pro393Arg (NM_001005735.3); c.386C>G, p.Pro129Arg (NM_001257387.3, NM_001437942.1); c.848C>G, p.Pro283Arg (NM_001349956.3); c.1142C>G, p.Pro381Arg (NM_001438293.1); c.1009-1074C>G (NM_145862.3); c.1102-1074C>G (NM_001438295.1); c.1138-1074C>G (NM_001438294.1); short protein forms P283R, P129R, P350R, P393R, P381R.
Identifiers: ClinVar variation 1776350 (VCV001776350.3), dbSNP rs2145817048, ClinGen allele CA411097679.
Genomic context (GRCh38, chr22:28,696,947, plus strand): 5'-TGCCAATTTCTTACCTTTATAAGACAGTCCTCTTCTTGAGATGACAGTAAAACATTCTCT[G>C]GCTTTAAGTCACGGTGTATAATACCGTTTTCATGAAGGTACTACACAGAAAGGCAGGCAT-3'
Protein context (NP_009125.1, residues 340-360): ENGIIHRDLK[Pro350Arg]ENVLLSSQEE